The following is an entry in ClinVar:

NM_000435.3(NOTCH3):c.6248A>G (p.Lys2083Arg)

Gene: NOTCH3 (notch receptor 3; minus strand). Cytogenetic location: 19p13.12.
Variant type: single nucleotide variant.
Coding change: c.6248A>G on transcript NM_000435.3 (MANE Select); coding-DNA position 6248, A replaced by G.
Protein change: p.Lys2083Arg; replaces lysine 2083 with arginine.
Molecular consequence: missense variant.
Genome position (GRCh38, 1-based): chr19:15,161,380, T>C on the plus strand (A>G on the coding strand, the complement: NOTCH3 is on the minus strand). VCF-style: chr19-15161380-T-C. GRCh37 (hg19) VCF-style: chr19-15272191-T-C.
Other names: short protein forms K2083R.
Identifiers: ClinVar variation 3636199 (VCV003636199.2).

ClinVar aggregate classification (germline): Uncertain significance (1 of 4 stars; one submission).

Submission:

Labcorp Genetics (formerly Invitae), Labcorp
Classification: Uncertain significance. Last evaluated: 2024-07-30. Review status: criteria provided, single submitter. Criteria: Invitae Variant Classification Sherloc (09022015). Collection method: clinical testing. Allele origin: germline.
Comment: This sequence change replaces lysine, which is basic and polar, with arginine, which is basic and polar, at codon 2083 of the NOTCH3 protein (p.Lys2083Arg). This variant is not present in population databases (gnomAD no frequency). This variant has not been reported in the literature in individuals affected with NOTCH3-related conditions. Advanced modeling of protein sequence and biophysical properties (such as structural, functional, and spatial information, amino acid conservation, physicochemical variation, residue mobility, and thermodynamic stability) performed at Invitae indicates that this missense variant is not expected to disrupt NOTCH3 protein function with a negative predictive value of 95%. In summary, the available evidence is currently insufficient to determine the role of this variant in disease. Therefore, it has been classified as a Variant of Uncertain Significance.